The following is an entry in ClinVar:

ClinVar aggregate classification (germline): Uncertain significance (1 of 4 stars; one submission).

Allele frequency attached by ClinVar (database versions not stated): gnomAD exomes below 0.00001.
gnomAD v4.1: 1 of 1,605,646 alleles (0.000062%); highest among the groups gnomAD compares: Non-Finnish European, 0.000085%; no homozygotes.

Submission:

CeGaT Center for Human Genetics Tuebingen
Classification: Uncertain significance. Last evaluated: 2024-02-01. Review status: criteria provided, single submitter. Criteria: CeGaT Center For Human Genetics Tuebingen Variant Classification Criteria Version 2. Collection method: clinical testing. Allele origin: germline. Affected: yes. Observed: 1 variant allele.
Comment: TECTA: PM2

NM_005422.4(TECTA):c.2695G>A (p.Asp899Asn)

Genes: TBCEL-TECTA (TBCEL-TECTA readthrough; plus strand), TECTA (tectorin alpha; plus strand), LOC126861365 (P300/CBP strongly-dependent group 1 enhancer GRCh37_chr11:121000154-121001353; plus strand). Cytogenetic location: 11q23.3.
Variant type: single nucleotide variant.
Coding change: c.2695G>A on transcript NM_005422.4 (MANE Select); coding-DNA position 2695, G replaced by A.
Protein change: p.Asp899Asn; replaces aspartic acid 899 with asparagine.
Molecular consequence: missense variant.
Genome position (GRCh38, 1-based): chr11:121,129,965, G>A. VCF-style: chr11-121129965-G-A. GRCh37 (hg19) VCF-style: chr11-121000674-G-A.
Other names: c.3652G>A, p.Asp1218Asn (NM_001378761.1); short protein forms D1218N, D899N.
Identifiers: ClinVar variation 3026450 (VCV003026450.22), dbSNP rs2496925849, ClinGen allele CA383016960.
Genomic context (GRCh38, chr11:121,129,965, plus strand): 5'-ACAACTTTCGAGGAGATCTGCAATGGAGAGTGTGGGGACCTGCTGAAGGCCTGCAACAAT[G>A]ACTCGGAGCTGCTCAAGTTTTATCGAAGCCGCTCCAGGTGCGGCATCATCAACGACCCCT-3'
Protein context (NP_005413.2, residues 889-909): CGDLLKACNN[Asp899Asn]SELLKFYRSR